The following is an entry in ClinVar:

NM_006415.4(SPTLC1):c.690+6A>T

Gene: SPTLC1 (serine palmitoyltransferase long chain base subunit 1; minus strand). Cytogenetic location: 9q22.31.
Variant type: single nucleotide variant.
Coding change: c.690+6A>T on transcript NM_006415.4 (MANE Select); 6 bases into the intron after coding-DNA position 690, A replaced by T.
Molecular consequence: intron variant.
Genome position (GRCh38, 1-based): chr9:92,059,173, T>A on the plus strand (A>T on the coding strand, the complement: SPTLC1 is on the minus strand). VCF-style: chr9-92059173-T-A. GRCh37 (hg19) VCF-style: chr9-94821455-T-A.
Other names: c.690+6A>T (NM_001281303.2); c.324+6A>T (NM_001368272.1); c.225+6A>T (NM_001368273.1).
Identifiers: ClinVar variation 1376654 (VCV001376654.6), dbSNP rs1834000589, ClinGen allele CA1864072553.

ClinVar aggregate classification (germline): Uncertain significance (1 of 4 stars; one submission).

Conditions:
Hereditary sensory and autonomic neuropathy type 1 (HSAN1). Also called: HSAN 1; HSN Type I; Hereditary Sensory Neuropathy Type I. Identifiers: Orphanet 36386, MedGen C0020071, MONDO:0018213.

Submission:

Labcorp Genetics (formerly Invitae), Labcorp
Classification: Uncertain significance for Hereditary sensory and autonomic neuropathy type 1. Last evaluated: 2021-10-18. Review status: criteria provided, single submitter. Criteria: Invitae Variant Classification Sherloc (09022015). Collection method: clinical testing. Allele origin: germline.
Comment: This sequence change falls in intron 7 of the SPTLC1 gene. It does not directly change the encoded amino acid sequence of the SPTLC1 protein. It affects a nucleotide within the consensus splice site. This variant is not present in population databases (ExAC no frequency). This variant has not been reported in the literature in individuals affected with SPTLC1-related conditions. Variants that disrupt the consensus splice site are a relatively common cause of aberrant splicing (PMID: 17576681, 9536098). Algorithms developed to predict the effect of sequence changes on RNA splicing suggest that this variant is not likely to affect RNA splicing. In summary, the available evidence is currently insufficient to determine the role of this variant in disease. Therefore, it has been classified as a Variant of Uncertain Significance.

Literature cited by the submitters: PubMed 17576681; PubMed 9536098.